The following is an entry in ClinVar:

NM_033400.3(ZFHX2):c.1933A>G (p.Thr645Ala)

Genes: THTPA (thiamine triphosphatase; plus strand), ZFHX2 (zinc finger homeobox 2; minus strand). Cytogenetic location: 14q11.2.
Variant type: single nucleotide variant.
Coding change: c.1933A>G on transcript NM_033400.3 (MANE Select); coding-DNA position 1933, A replaced by G.
Protein change: p.Thr645Ala; replaces threonine 645 with alanine.
Molecular consequence: missense variant.
Genome position (GRCh38, 1-based): chr14:23,533,393, T>C on the plus strand (A>G on the coding strand, the complement: ZFHX2 is on the minus strand). VCF-style: chr14-23533393-T-C. GRCh37 (hg19) VCF-style: chr14-24002602-T-C.
Other names: short protein forms T645A.
Identifiers: ClinVar variation 4921307 (VCV004921307.2).
Genomic context (GRCh38, chr14:23,533,393, plus strand): 5'-TGAGAAGTAGCTGGGCTTCCAGGGGCTTGTCTGGCCTCAGCCCCGGGCCAGCCAAGGGAG[T>C]CTGAGGCTGCCCTAGGGCCTGGGGCCCAAAGTACTGGAAGAGTTCAGGGGGGCTAGTGGG-3'
Protein context (NP_207646.2, residues 635-655): FGPQALGQPQ[Thr645Ala]PLAGPGLRPD

ClinVar aggregate classification (germline): Likely benign. Review status: criteria provided, multiple submitters, no conflicts (2 of 4 stars). 2 submissions from 2 submitters: Likely benign (2). Last evaluated 2026-07-01.

gnomAD v4.1: 506 of 1,478,286 alleles (0.034%); highest among the groups gnomAD compares: East Asian, 1.1%; 3 homozygotes.

Submissions (2):

CeGaT Center for Human Genetics Tuebingen
Classification: Likely benign. Last evaluated: 2026-07-01. Review status: criteria provided, single submitter. Criteria: CeGaT Center For Human Genetics Tuebingen Variant Classification Criteria Version 2. Collection method: clinical testing. Allele origin: germline. Affected: yes. Observed: 1 variant allele.
Comment: ZFHX2: BP4, BS1

Blueprint Genetics
Classification: Likely benign. Last evaluated: 2024-11-18. Review status: criteria provided, single submitter. Criteria: ACMG Guidelines, 2015. Collection method: clinical testing. Allele origin: germline.